The following is an entry in ClinVar:

NM_182961.4(SYNE1):c.23712C>G (p.Ile7904Met)

Gene: SYNE1 (spectrin repeat containing nuclear envelope protein 1; minus strand). Cytogenetic location: 6q25.2.
Variant type: single nucleotide variant.
Coding change: c.23712C>G on transcript NM_182961.4 (MANE Select); coding-DNA position 23712, C replaced by G.
Protein change: p.Ile7904Met; replaces isoleucine 7904 with methionine.
Molecular consequence: missense variant.
Genome position (GRCh38, 1-based): chr6:152,164,241, G>C on the plus strand (C>G on the coding strand, the complement: SYNE1 is on the minus strand). VCF-style: chr6-152164241-G-C. GRCh37 (hg19) VCF-style: chr6-152485376-G-C.
Other names: c.318C>G, p.Ile106Met (NM_001347701.2); c.177C>G, p.Ile59Met (NM_001347702.2); c.23499C>G, p.Ile7833Met (NM_033071.5); c.23499C>G (NM_033071.3); short protein forms I7833M, I7904M, I59M, I106M.
Identifiers: ClinVar variation 284806 (VCV000284806.6), dbSNP rs753346642, ClinGen allele CA10604914.

ClinVar aggregate classification (germline): Uncertain significance. Review status: criteria provided, multiple submitters, no conflicts (2 of 4 stars). 2 submissions from 2 submitters: Uncertain significance (2). Last evaluated 2024-02-08.

Allele frequency attached by ClinVar (database versions not stated): TOPMed below 0.00001.

Submissions (2):

GeneDx
Classification: Uncertain significance. Last evaluated: 2024-02-08. Review status: criteria provided, single submitter. Criteria: GeneDx Variant Classification Process June 2021. Collection method: clinical testing. Allele origin: germline. Affected: yes.
Comment: Not observed at significant frequency in large population cohorts (gnomAD); In silico analysis supports that this missense variant does not alter protein structure/function; Has not been previously published as pathogenic or benign to our knowledge

Eurofins Ntd Llc (ga)
Classification: Uncertain significance. Last evaluated: 2015-11-13. Review status: criteria provided, single submitter. Criteria: EGL Classification Definitions 2015. Collection method: clinical testing. Allele origin: germline. Observed: 1 variant allele, 1 heterozygote.